The following is an entry in ClinVar:

NM_001374736.1(DST):c.3697G>C (p.Asp1233His)

Gene: DST (dystonin; minus strand). Cytogenetic location: 6p12.1.
Variant type: single nucleotide variant.
Coding change: c.3697G>C on transcript NM_001374736.1 (MANE Select); coding-DNA position 3697, G replaced by C.
Protein change: p.Asp1233His; replaces aspartic acid 1233 with histidine.
Molecular consequence: missense variant.
Genome position (GRCh38, 1-based): chr6:56,632,962, C>G on the plus strand (G>C on the coding strand, the complement: DST is on the minus strand). VCF-style: chr6-56632962-C-G. GRCh37 (hg19) VCF-style: chr6-56497760-C-G.
Other names: c.3598G>C, p.Asp1200His (NM_001144769.5); c.3184G>C, p.Asp1062His (NM_001144770.2); c.3697G>C, p.Asp1233His (NM_001374722.1); c.3064G>C, p.Asp1022His (NM_001374729.1, NM_001374730.1, NM_001386100.1 and 1 more transcripts); c.3724G>C, p.Asp1242His (NM_001374734.1); c.2086G>C, p.Asp696His (NM_001723.7, NM_015548.5); short protein forms D1233H, D1022H, D1200H, D1242H, D1062H, D696H.
Identifiers: ClinVar variation 956048 (VCV000956048.10), dbSNP rs1048178167, ClinGen allele CA139217109.
Genomic context (GRCh38, chr6:56,632,962, plus strand): 5'-TAACCTCCTTTTCCAGTTGTGTTATATCTGAGCCTGAAAAGACTTGGGATTCCTGGCTAT[C>G]TTCCAGAAAATCTTCAAAACGAGATTGTAGATTACTTAGAACTTGCTGATGTTCACCAGG-3'
Protein context (NP_001361665.1, residues 1223-1243): LQSRFEDFLE[Asp1233His]SQESQVFSGS

ClinVar aggregate classification (germline): Uncertain significance (1 of 4 stars; one submission).

Conditions:
Hereditary sensory and autonomic neuropathy type 6. Also called: Neuropathy, hereditary sensory and autonomic, type VI; HSAN VI. Identifiers: Orphanet 314381, MedGen C3539003, MONDO:0013839, OMIM 614653.
Epidermolysis bullosa simplex 3, localized or generalized intermediate, with BP230 deficiency (EBS3). Also called: Epidermolysis bullosa simplex due to BP230 deficiency; Epidermolysis bullosa simplex, autosomal recessive 2. Identifiers: Orphanet 412181, MedGen C3809470, MONDO:0014180, OMIM 615425.

Allele frequency attached by ClinVar (database versions not stated): gnomAD exomes below 0.00001.
gnomAD v4.1: 4 of 1,613,962 alleles (0.00025%); highest among the groups gnomAD compares: Non-Finnish European, 0.00034%; no homozygotes.

Submission:

Labcorp Genetics (formerly Invitae), Labcorp
Classification: Uncertain significance for Epidermolysis bullosa simplex 3, localized or generalized intermediate, with BP230 deficiency; Hereditary sensory and autonomic neuropathy type 6. Last evaluated: 2019-10-25. Review status: criteria provided, single submitter. Criteria: Invitae Variant Classification Sherloc (09022015). Collection method: clinical testing. Allele origin: germline.
Comment: In summary, the available evidence is currently insufficient to determine the role of this variant in disease. Therefore, it has been classified as a Variant of Uncertain Significance. Algorithms developed to predict the effect of missense changes on protein structure and function (SIFT, PolyPhen-2, Align-GVGD) all suggest that this variant is likely to be disruptive, but these predictions have not been confirmed by published functional studies and their clinical significance is uncertain. This variant has not been reported in the literature in individuals with DST-related conditions. This variant is not present in population databases (ExAC no frequency). This sequence change replaces aspartic acid with histidine at codon 696 of the DST protein (p.Asp696His). The aspartic acid residue is highly conserved and there is a moderate physicochemical difference between aspartic acid and histidine.